The following is an entry in ClinVar:

NM_006904.7(PRKDC):c.3758C>T (p.Thr1253Met)

Gene: PRKDC (protein kinase, DNA-activated, catalytic subunit; minus strand). Cytogenetic location: 8q11.21.
Variant type: single nucleotide variant.
Coding change: c.3758C>T on transcript NM_006904.7 (MANE Select); coding-DNA position 3758, C replaced by T.
Protein change: p.Thr1253Met; replaces threonine 1253 with methionine.
Molecular consequence: missense variant.
Genome position (GRCh38, 1-based): chr8:47,893,228, G>A on the plus strand (C>T on the coding strand, the complement: PRKDC is on the minus strand). VCF-style: chr8-47893228-G-A. GRCh37 (hg19) VCF-style: chr8-48805789-G-A.
Other names: c.3758C>T, p.Thr1253Met (NM_001081640.2); short protein forms T1253M.
Identifiers: ClinVar variation 2202047 (VCV002202047.4), dbSNP rs753495461, ClinGen allele CA4741100.
Genomic context (GRCh38, chr8:47,893,228, plus strand): 5'-TCGCCAATGAACGTGTTGTAGCACTCCAACGCGGCCAGGAGCAGGTCCAGCCAGCATAGC[G>A]TGGCCTGCAGGCTGAATGGCCCCCGAAGGTACAAGAGGGTGGGCTGGGCCAGGATGCCCG-3'
Protein context (NP_008835.5, residues 1243-1263): YLRGPFSLQA[Thr1253Met]LCWLDLLLAA

ClinVar aggregate classification (germline): Uncertain significance (1 of 4 stars; one submission).

Conditions:
Severe combined immunodeficiency due to DNA-PKcs deficiency. Also called: IMMUNODEFICIENCY 26 WITH NEUROLOGIC ABNORMALITIES; Immunodeficiency 26 with or without neurologic abnormalities. Identifiers: Orphanet 317425, MedGen C4014833, MONDO:0014423, OMIM 615966.

Allele frequency attached by ClinVar (database versions not stated): ExAC 0.00001.
gnomAD v4.1: 20 of 1,612,686 alleles (0.0012%); highest among the groups gnomAD compares: South Asian, 0.011%; no homozygotes.

Submission:

Labcorp Genetics (formerly Invitae), Labcorp
Classification: Uncertain significance for Severe combined immunodeficiency due to DNA-PKcs deficiency. Last evaluated: 2023-12-28. Review status: criteria provided, single submitter. Criteria: Invitae Variant Classification Sherloc (09022015). Collection method: clinical testing. Allele origin: germline.
Comment: This sequence change replaces threonine, which is neutral and polar, with methionine, which is neutral and non-polar, at codon 1253 of the PRKDC protein (p.Thr1253Met). The frequency data for this variant in the population databases is considered unreliable, as metrics indicate poor data quality at this position in the gnomAD database. This variant has not been reported in the literature in individuals affected with PRKDC-related conditions. ClinVar contains an entry for this variant (Variation ID: 2202047). Advanced modeling of protein sequence and biophysical properties (such as structural, functional, and spatial information, amino acid conservation, physicochemical variation, residue mobility, and thermodynamic stability) performed at Invitae indicates that this missense variant is not expected to disrupt PRKDC protein function with a negative predictive value of 80%. In summary, the available evidence is currently insufficient to determine the role of this variant in disease. Therefore, it has been classified as a Variant of Uncertain Significance.